The following is an entry in ClinVar:

NM_000051.4(ATM):c.7340T>A (p.Leu2447Ter)

Genes: ATM (ATM serine/threonine kinase; plus strand), C11orf65 (chromosome 11 open reading frame 65; minus strand). Cytogenetic location: 11q22.3.
Variant type: single nucleotide variant.
Coding change: c.7340T>A on transcript NM_000051.4 (MANE Select); coding-DNA position 7340, T replaced by A.
Protein change: p.Leu2447Ter; replaces leucine 2447 with a stop codon.
Molecular consequence: nonsense. On other transcripts: intron variant (2).
Genome position (GRCh38, 1-based): chr11:108,330,246, T>A. VCF-style: chr11-108330246-T-A. GRCh37 (hg19) VCF-style: chr11-108200973-T-A.
Other names: c.7340T>A, p.Leu2447Ter (NM_001351834.2); c.641-21175A>T (NM_001330368.2); c.*38+4974A>T (NM_001351110.2); short protein forms L2447*.
Identifiers: ClinVar variation 2830400 (VCV002830400.4), dbSNP rs2136453754, ClinGen allele CA382559918.

ClinVar aggregate classification (germline): Pathogenic. Review status: criteria provided, multiple submitters, no conflicts (2 of 4 stars). 2 submissions from 2 submitters: Pathogenic (2). Last evaluated 2025-07-03.

Conditions:
Ataxia-telangiectasia syndrome (AT). Also called: LOUIS-BAR SYNDROME; Cerebello-oculocutaneous telangiectasia; Immunodeficiency with ataxia telangiectasia; Ataxia telangiectasia (A-T); Ataxia-telangiectasia, complementation group D; AT, COMPLEMENTATION GROUP C. Identifiers: Orphanet 100, MedGen C0004135, MONDO:0008840, OMIM 208900.
Hereditary cancer-predisposing syndrome. Also called: Tumor predisposition; Neoplastic Syndromes, Hereditary; Hereditary Cancer Syndrome; Hereditary neoplastic syndrome. Identifiers: Orphanet 140162, MedGen C0027672, MeSH D009386, MONDO:0015356.

Submissions (2):

Ambry Genetics
Classification: Pathogenic for Hereditary cancer-predisposing syndrome. Last evaluated: 2025-07-03. Review status: criteria provided, single submitter. Criteria: Ambry Variant Classification Scheme 2023. Collection method: clinical testing. Allele origin: germline.
Comment: The p.L2447* pathogenic mutation (also known as c.7340T>A), located in coding exon 49 of the ATM gene, results from a T to A substitution at nucleotide position 7340. This changes the amino acid from a leucine to a stop codon within coding exon 49. This variant is considered to be rare based on population cohorts in the Genome Aggregation Database (gnomAD). This alteration is expected to result in loss of function by premature protein truncation or nonsense-mediated mRNA decay. As such, this alteration is interpreted as a disease-causing mutation.

Labcorp Genetics (formerly Invitae), Labcorp
Classification: Pathogenic for Ataxia-telangiectasia syndrome. Last evaluated: 2023-01-20. Review status: criteria provided, single submitter. Criteria: Invitae Variant Classification Sherloc (09022015). Collection method: clinical testing. Allele origin: germline.
Comment: For these reasons, this variant has been classified as Pathogenic. This variant has not been reported in the literature in individuals affected with ATM-related conditions. This variant is not present in population databases (gnomAD no frequency). This sequence change creates a premature translational stop signal (p.Leu2447*) in the ATM gene. It is expected to result in an absent or disrupted protein product. Loss-of-function variants in ATM are known to be pathogenic (PMID: 23807571, 25614872).

Literature cited by the submitters: PubMed 23807571 (cited by Labcorp Genetics (formerly Invitae), Labcorp); PubMed 25614872 (cited by Labcorp Genetics (formerly Invitae), Labcorp).